The following is an entry in ClinVar:

ClinVar aggregate classification (germline): Benign. Review status: criteria provided, multiple submitters, no conflicts (2 of 4 stars). 4 submissions from 3 submitters: Benign (4). Last evaluated 2021-07-14.

Conditions:
Farber lipogranulomatosis (FRBRL). Also called: Farber's lipogranulomatosis; AC DEFICIENCY; ACID CERAMIDASE DEFICIENCY; CERAMIDASE DEFICIENCY; N-LAURYLSPHINGOSINE DEACYLASE DEFICIENCY; Farber's disease. Identifiers: Orphanet 333, MedGen C0268255, MONDO:0009218, OMIM 228000.
Spinal muscular atrophy-progressive myoclonic epilepsy syndrome. Also called: MYOCLONUS, HEREDITARY, WITH PROGRESSIVE DISTAL MUSCULAR ATROPHY; Hereditary myoclonus and progressive distal muscular atrophy; Spinal muscular atrophy with progressive myoclonic epilepsy; Spinal Muscular Atrophy with Progressive Myoclonic Epilepsy (SMA-PME). Identifiers: Orphanet 2590, MedGen C1834569, MONDO:0008045, OMIM 159950.

Allele frequency attached by ClinVar (database versions not stated): 1000 Genomes Project 30x 0.33463; 1000 Genomes Project 0.33906; gnomAD 0.35577 and 0.36047; TOPMed 0.35980; gnomAD exomes 0.39431.
gnomAD v4.1: 272,909 of 705,090 alleles (39%); highest among the groups gnomAD compares: Admixed American, 44%; 55,828 homozygotes.

Submissions (4):

Genome-Nilou Lab
Classification: Benign for Farber lipogranulomatosis. Last evaluated: 2021-07-14. Review status: criteria provided, single submitter. Criteria: ACMG Guidelines, 2015. Collection method: clinical testing. Allele origin: germline. Affected: no.

Genome-Nilou Lab
Classification: Benign for Spinal muscular atrophy-progressive myoclonic epilepsy syndrome. Last evaluated: 2021-07-14. Review status: criteria provided, single submitter. Criteria: ACMG Guidelines, 2015. Collection method: clinical testing. Allele origin: germline. Affected: no.

GeneDx
Classification: Benign. Last evaluated: 2018-06-19. Review status: criteria provided, single submitter. Criteria: GeneDx Variant Classification (06012015). Collection method: clinical testing. Allele origin: germline. Affected: yes.
Comment: This variant is considered likely benign or benign based on one or more of the following criteria: it is a conservative change, it occurs at a poorly conserved position in the protein, it is predicted to be benign by multiple in silico algorithms, and/or has population frequency not consistent with disease.

Breakthrough Genomics
Classification: Benign. Review status: criteria provided, single submitter. Criteria: ACMG Guidelines, 2015. Collection method: not provided. Allele origin: germline. Inheritance: Autosomal recessive inheritance. Affected: yes.

NM_177924.5(ASAH1):c.303+117T>C

Gene: ASAH1 (N-acylsphingosine amidohydrolase 1; minus strand). Cytogenetic location: 8p22.
Variant type: single nucleotide variant.
Coding change: c.303+117T>C on transcript NM_177924.5 (MANE Select); 117 bases into the intron after coding-DNA position 303, T replaced by C.
Molecular consequence: intron variant.
Genome position (GRCh38, 1-based): chr8:18,069,675, A>G on the plus strand (T>C on the coding strand, the complement: ASAH1 is on the minus strand). VCF-style: chr8-18069675-A-G. GRCh37 (hg19) VCF-style: chr8-17927184-A-G.
Other names: c.351+117T>C (NM_004315.6); c.285+1625T>C (NM_001127505.3); c.108+117T>C (NM_001363743.2).
Identifiers: ClinVar variation 678030 (VCV000678030.5), dbSNP rs2427746, ClinGen allele CA12807266.